The following is an entry in ClinVar:

ClinVar aggregate classification (germline): Likely benign. Review status: criteria provided, multiple submitters, no conflicts (2 of 4 stars). 2 submissions from 2 submitters: Likely benign (2). Last evaluated 2025-10-09.

Allele frequency attached by ClinVar (database versions not stated): ExAC 0.00002; gnomAD exomes 0.00002; gnomAD 0.00003.
gnomAD v4.1: 33 of 1,613,690 alleles (0.002%); highest among the groups gnomAD compares: South Asian, 0.013%; 1 homozygote.

Submissions (2):

Labcorp Genetics (formerly Invitae), Labcorp
Classification: Likely benign. Last evaluated: 2025-10-09. Review status: criteria provided, single submitter. Criteria: Invitae Variant Classification Sherloc (09022015). Collection method: clinical testing. Allele origin: germline.

Mayo Clinic Laboratories, Mayo Clinic
Classification: Likely benign. Last evaluated: 2025-07-09. Review status: criteria provided, single submitter. Criteria: ACMG Guidelines, 2015. Collection method: clinical testing. Allele origin: germline. Observed: 1 variant allele.
Comment: BP4, BP7

NM_007055.4(POLR3A):c.3892-4G>A

Gene: POLR3A (RNA polymerase III subunit A; minus strand). Cytogenetic location: 10q22.3.
Variant type: single nucleotide variant.
Coding change: c.3892-4G>A on transcript NM_007055.4 (MANE Select); 4 bases into the intron before coding-DNA position 3892, G replaced by A.
Molecular consequence: intron variant.
Genome position (GRCh38, 1-based): chr10:77,980,277, C>T on the plus strand (G>A on the coding strand, the complement: POLR3A is on the minus strand). VCF-style: chr10-77980277-C-T. GRCh37 (hg19) VCF-style: chr10-79740035-C-T.
Other names: p.?.
Identifiers: ClinVar variation 2421325 (VCV002421325.7), dbSNP rs751872362, ClinGen allele CA5570646.